The following is an entry in ClinVar:

ClinVar aggregate classification (germline): Likely benign. Review status: criteria provided, single submitter (1 of 4 stars). 2 submissions from 1 submitter: Likely benign (2). Last evaluated 2018-01-12.

Conditions:
Susceptibility to mononeuropathy of the median nerve, mild. Also called: CARPAL TUNNEL SYNDROME, SUSCEPTIBILITY TO. Identifiers: MedGen C3150596, MONDO:0013237, OMIM 613353.
Charcot-Marie-Tooth disease type 4C (CMT4C). Also called: CHARCOT-MARIE-TOOTH DISEASE, DEMYELINATING, TYPE 4C; SH3TC2-Related Hereditary Motor and Sensory Neuropathy; Charcot-Marie-Tooth Neuropathy Type 4C (CMT4C); CHARCOT-MARIE-TOOTH DISEASE, DEMYELINATING, AUTOSOMAL RECESSIVE, TYPE 4C; CMT 4C. Identifiers: Orphanet 99949, MedGen C1866636, MONDO:0011113, OMIM 601596.

Allele frequency attached by ClinVar (database versions not stated): 1000 Genomes Project 0.00060; 1000 Genomes Project 30x 0.00078; gnomAD exomes 0.00110; gnomAD 0.00132 and 0.00133; TOPMed 0.00137.
gnomAD v4.1: 377 of 317,640 alleles (0.12%); highest among the groups gnomAD compares: Admixed American, 0.21%; 1 homozygote.

Submissions (2):

Illumina Laboratory Services, Illumina
Classification: Likely benign for Charcot-Marie-Tooth disease type 4C. Last evaluated: 2018-01-12. Review status: criteria provided, single submitter. Criteria: ICSL Variant Classification Criteria 13 December 2019. Collection method: clinical testing. Allele origin: germline.
Comment: This variant was observed in the ICSL laboratory as part of a predisposition screen in an ostensibly healthy population. It had not been previously curated by ICSL or reported in the Human Gene Mutation Database (HGMD: prior to June 1st, 2018), and was therefore a candidate for classification through an automated scoring system. Utilizing variant allele frequency, disease prevalence and penetrance estimates, and inheritance mode, an automated score was calculated to assess if this variant is too frequent to cause the disease. Based on the score and internal cut-off values, a variant classified as likely benign is not then subjected to further curation. The score for this variant resulted in a classification of likely benign for this disease.

Illumina Laboratory Services, Illumina
Classification: Likely benign for Susceptibility to mononeuropathy of the median nerve, mild. Last evaluated: 2018-01-12. Review status: criteria provided, single submitter. Criteria: ICSL Variant Classification Criteria 13 December 2019. Collection method: clinical testing. Allele origin: germline.
Comment: the same text as in the submission from Illumina Laboratory Services, Illumina above.

NM_024577.4(SH3TC2):c.*797A>G

Gene: SH3TC2 (SH3 domain and tetratricopeptide repeats 2; minus strand). Cytogenetic location: 5q32.
Variant type: single nucleotide variant.
Coding change: c.*797A>G on transcript NM_024577.4 (MANE Select); 797 bases downstream of the stop codon, A replaced by G.
Molecular consequence: 3 prime UTR variant.
Genome position (GRCh38, 1-based): chr5:149,003,914, T>C on the plus strand (A>G on the coding strand, the complement: SH3TC2 is on the minus strand). VCF-style: chr5-149003914-T-C. GRCh37 (hg19) VCF-style: chr5-148383477-T-C.
Identifiers: ClinVar variation 906304 (VCV000906304.4), dbSNP rs140821223, ClinGen allele CA128994125.